The following is an entry in ClinVar:

NM_000059.4(BRCA2):c.7118G>A (p.Ser2373Asn)

Gene: BRCA2 (BRCA2 DNA repair associated; plus strand). Cytogenetic location: 13q13.1.
Variant type: single nucleotide variant.
Coding change: c.7118G>A on transcript NM_000059.4 (MANE Select); coding-DNA position 7118, G replaced by A.
Protein change: p.Ser2373Asn; replaces serine 2373 with asparagine.
Molecular consequence: missense variant.
Genome position (GRCh38, 1-based): chr13:32,354,971, G>A. VCF-style: chr13-32354971-G-A. GRCh37 (hg19) VCF-style: chr13-32929108-G-A.
Other names: c.7022G>A, p.Ser2341Asn (NM_001406719.1); c.7118G>A, p.Ser2373Asn (NM_001406720.1); c.2186G>A, p.Ser729Asn (NM_001406721.1); c.701G>A, p.Ser234Asn (NM_001406722.1); short protein forms S2373N, S729N, S234N, S2341N.
Identifiers: ClinVar variation 1757243 (VCV001757243.3), dbSNP rs80358944, ClinGen allele CA387738697.

ClinVar aggregate classification (germline): Uncertain significance. Review status: criteria provided, single submitter (1 of 4 stars). 2 submissions from 2 submitters: Uncertain significance (1). 1 of the submissions does not count toward it. Last evaluated 2021-10-22.

Conditions:
Hereditary cancer-predisposing syndrome. Also called: Neoplastic Syndromes, Hereditary; Tumor predisposition; Hereditary neoplastic syndrome; Hereditary Cancer Syndrome. Identifiers: Orphanet 140162, MedGen C0027672, MeSH D009386, MONDO:0015356.
Breast-ovarian cancer, familial, susceptibility to, 2 (BROVCA2). Also called: BRCA2 Hereditary Breast and Ovarian Cancer. Identifiers: Orphanet 145, MedGen C2675520, MONDO:0012933, OMIM 612555. Disease mechanism: loss of function.

Allele frequency attached by ClinVar (database versions not stated): gnomAD exomes below 0.00001.
gnomAD v4.1: 1 of 1,613,478 alleles (0.000062%); highest among the groups gnomAD compares: Non-Finnish European, 0.000085%; no homozygotes.

Submissions (2):

Ambry Genetics
Classification: Uncertain significance for Hereditary cancer-predisposing syndrome. Last evaluated: 2021-10-22. Review status: criteria provided, single submitter. Criteria: Ambry Variant Classification Scheme 2023. Collection method: clinical testing. Allele origin: germline.
Comment: The p.S2373N variant (also known as c.7118G>A), located in coding exon 13 of the BRCA2 gene, results from a G to A substitution at nucleotide position 7118. The serine at codon 2373 is replaced by asparagine, an amino acid with highly similar properties. This amino acid position is well conserved in available vertebrate species. In addition, the in silico prediction for this alteration is inconclusive. Since supporting evidence is limited at this time, the clinical significance of this alteration remains unclear.

BRCAlab, Lund University
Classification: Uncertain significance for Breast-ovarian cancer, familial, susceptibility to, 2. Last evaluated: 2020-03-02. Review status: no assertion criteria provided. Collection method: clinical testing. Allele origin: germline. Affected: yes. Not counted in ClinVar's aggregate classification.